The following is an entry in ClinVar:

ClinVar aggregate classification (germline): Uncertain significance (1 of 4 stars; one submission).

gnomAD v4.1: 8 of 1,614,112 alleles (0.0005%); highest among the groups gnomAD compares: South Asian, 0.0011%; no homozygotes.

Submission:

Labcorp Genetics (formerly Invitae), Labcorp
Classification: Uncertain significance. Last evaluated: 2024-06-13. Review status: criteria provided, single submitter. Criteria: Invitae Variant Classification Sherloc (09022015). Collection method: clinical testing. Allele origin: germline.
Comment: This sequence change replaces isoleucine, which is neutral and non-polar, with threonine, which is neutral and polar, at codon 605 of the LEMD3 protein (p.Ile605Thr). This variant is present in population databases (rs748299191, gnomAD 0.006%). This variant has not been reported in the literature in individuals affected with LEMD3-related conditions. Advanced modeling of protein sequence and biophysical properties (such as structural, functional, and spatial information, amino acid conservation, physicochemical variation, residue mobility, and thermodynamic stability) performed at Invitae indicates that this missense variant is not expected to disrupt LEMD3 protein function with a negative predictive value of 80%. In summary, the available evidence is currently insufficient to determine the role of this variant in disease. Therefore, it has been classified as a Variant of Uncertain Significance.

NM_014319.5(LEMD3):c.1814T>C (p.Ile605Thr)

Gene: LEMD3 (LEM domain containing 3; plus strand). Cytogenetic location: 12q14.3.
Variant type: single nucleotide variant.
Coding change: c.1814T>C on transcript NM_014319.5 (MANE Select); coding-DNA position 1814, T replaced by C.
Protein change: p.Ile605Thr; replaces isoleucine 605 with threonine.
Molecular consequence: missense variant.
Genome position (GRCh38, 1-based): chr12:65,238,707, T>C. VCF-style: chr12-65238707-T-C. GRCh37 (hg19) VCF-style: chr12-65632487-T-C.
Other names: c.1811T>C, p.Ile604Thr (NM_001167614.2); short protein forms I604T, I605T.
Identifiers: ClinVar variation 3676667 (VCV003676667.2).